The following is an entry in ClinVar:

NM_005909.5(MAP1B):c.5749A>C (p.Ser1917Arg)

Gene: MAP1B (microtubule associated protein 1B; plus strand). Cytogenetic location: 5q13.2.
Variant type: single nucleotide variant.
Coding change: c.5749A>C on transcript NM_005909.5 (MANE Select); coding-DNA position 5749, A replaced by C.
Protein change: p.Ser1917Arg; replaces serine 1917 with arginine.
Molecular consequence: missense variant.
Genome position (GRCh38, 1-based): chr5:72,199,104, A>C. VCF-style: chr5-72199104-A-C. GRCh37 (hg19) VCF-style: chr5-71494931-A-C.
Other names: c.5371A>C, p.Ser1791Arg (NM_001324255.2); short protein forms S1791R, S1917R.
Identifiers: ClinVar variation 3068588 (VCV003068588.1), dbSNP rs13153166, ClinGen allele CA3299371.

ClinVar aggregate classification (germline): Benign (1 of 4 stars; one submission).

Conditions:
Periventricular nodular heterotopia 9. Identifiers: MedGen C5394503, MONDO:0030061, OMIM 618918.

Allele frequency attached by ClinVar (database versions not stated): 1000 Genomes Project 30x 0.01296; 1000 Genomes Project 0.01398; TOPMed 0.02615; ExAC 0.02865; gnomAD 0.02931; ESP Exome Variant Server 0.03384; gnomAD exomes 0.04137.
gnomAD v4.1: 64,342 of 1,614,098 alleles (4%); highest among the groups gnomAD compares: Non-Finnish European, 4.8%; 1,497 homozygotes.

Submission:

Molecular Genetics, Royal Melbourne Hospital
Classification: Benign for Periventricular nodular heterotopia 9. Last evaluated: 2023-05-04. Review status: criteria provided, single submitter. Criteria: ACMG Guidelines, 2015. Collection method: clinical testing. Allele origin: germline. Affected: no.
Comment: European Non-Finnish population allele frequency is 4.192% (rs13153166, 5582/128816 alleles, 118 homozygotes in gnomAD v2.1). Multiple lines of computational evidence predict no impact to the protein product of the gene. Based on the classification scheme RMH Modified ACMG/AMP Guidelines v1.2.1, this variant is classified as BENIGN. Following criteria are met: BA1